The following is an entry in ClinVar:

NM_000361.3(THBD):c.456C>T (p.Ile152=)

Gene: THBD (thrombomodulin; minus strand). Cytogenetic location: 20p11.21.
Variant type: single nucleotide variant.
Coding change: c.456C>T on transcript NM_000361.3 (MANE Select); coding-DNA position 456, C replaced by T.
Protein change: p.Ile152=; no amino-acid change (isoleucine 152 retained).
Molecular consequence: synonymous variant.
Genome position (GRCh38, 1-based): chr20:23,049,049, G>A on the plus strand (C>T on the coding strand, the complement: THBD is on the minus strand). VCF-style: chr20-23049049-G-A. GRCh37 (hg19) VCF-style: chr20-23029686-G-A.
Identifiers: ClinVar variation 403533 (VCV000403533.4), dbSNP rs1060499909, ClinGen allele CA16609786.
Genomic context (GRCh38, chr20:23,049,049, plus strand): 5'-TGGGAAGTGGAACTCGCAGAGGAAGCCATCGGCCTTCACTTCGCACTGCTGCTCCTCCCA[G>A]ATCGGCTCGCTGGGCACAGTGGCCTCAGCAGCGGAGACAGCGACGCACAACGGGCCGCAG-3'
Protein context (NP_000352.1, residues 142-162): AAEATVPSEP[Ile152=]WEEQQCEVKA

ClinVar aggregate classification (germline): Likely benign (1 of 4 stars; one submission).

Submission:

Laboratory for Molecular Medicine, Mass General Brigham Personalized Medicine
Classification: Likely benign. Last evaluated: 2016-03-28. Review status: criteria provided, single submitter. Criteria: LMM Criteria. Collection method: clinical testing. Allele origin: germline.
Comment: Variant identified in a genome or exome case(s) and assessed due to predicted null impact of the variant or pathogenic assertions in the literature or databases. Disclaimer: This variant has not undergone full assessment. The following are preliminary notes: Silent variant.